The following is an entry in ClinVar:

NM_020376.4(PNPLA2):c.359G>A (p.Arg120His)

Gene: PNPLA2 (patatin like domain 2, triacylglycerol lipase; plus strand). Cytogenetic location: 11p15.5.
Variant type: single nucleotide variant.
Coding change: c.359G>A on transcript NM_020376.4 (MANE Select); coding-DNA position 359, G replaced by A.
Protein change: p.Arg120His; replaces arginine 120 with histidine.
Molecular consequence: missense variant.
Genome position (GRCh38, 1-based): chr11:821,799, G>A. VCF-style: chr11-821799-G-A. GRCh37 (hg19) VCF-style: chr11-821799-G-A.
Other names: c.359G>A (NM_020376.3); short protein forms R120H.
Identifiers: ClinVar variation 1447808 (VCV001447808.5), dbSNP rs750269327, ClinGen allele CA5790946.

ClinVar aggregate classification (germline): Uncertain significance. Review status: criteria provided, multiple submitters, no conflicts (2 of 4 stars). 3 submissions from 3 submitters: Uncertain significance (3). Last evaluated 2024-11-09.

Conditions:
Inborn genetic diseases. Identifiers: MedGen C0950123, MeSH D030342.
Neutral lipid storage myopathy (NLSDM). Also called: NEUTRAL LIPID STORAGE DISEASE WITHOUT ICHTHYOSIS. Identifiers: Orphanet 98908, MedGen C1853136, MONDO:0012545, OMIM 610717.

Allele frequency attached by ClinVar (database versions not stated): ExAC 0.00001; gnomAD exomes 0.00001 and 0.00005; TOPMed 0.00001; gnomAD 0.00002.
gnomAD v4.1: 78 of 1,613,848 alleles (0.0048%); highest among the groups gnomAD compares: Non-Finnish European, 0.0064%; no homozygotes.

Submissions (3):

Ambry Genetics
Classification: Uncertain significance for Inborn genetic diseases. Last evaluated: 2024-11-09. Review status: criteria provided, single submitter. Criteria: Ambry Variant Classification Scheme 2023. Collection method: clinical testing. Allele origin: germline.

Revvity Omics, Revvity
Classification: Uncertain significance for Neutral lipid storage myopathy. Last evaluated: 2024-09-20. Review status: criteria provided, single submitter. Criteria: ACMG Guidelines, 2015. Collection method: clinical testing. Allele origin: germline.

Labcorp Genetics (formerly Invitae), Labcorp
Classification: Uncertain significance for Neutral lipid storage myopathy. Last evaluated: 2021-10-03. Review status: criteria provided, single submitter. Criteria: Invitae Variant Classification Sherloc (09022015). Collection method: clinical testing. Allele origin: germline.
Comment: This sequence change replaces arginine with histidine at codon 120 of the PNPLA2 protein (p.Arg120His). The arginine residue is highly conserved and there is a small physicochemical difference between arginine and histidine. This variant is present in population databases (rs750269327, ExAC 0.009%). This variant has not been reported in the literature in individuals affected with PNPLA2-related conditions. Algorithms developed to predict the effect of missense changes on protein structure and function (SIFT, PolyPhen-2, Align-GVGD) all suggest that this variant is likely to be disruptive. In summary, the available evidence is currently insufficient to determine the role of this variant in disease. Therefore, it has been classified as a Variant of Uncertain Significance.